The following is an entry in ClinVar:

ClinVar aggregate classification (germline): Uncertain significance (1 of 4 stars; one submission).

Conditions:
Oculodentodigital dysplasia, autosomal recessive. Also called: OCULODENTOOSSEOUS DYSPLASIA, AUTOSOMAL RECESSIVE; ODDD, AUTOSOMAL RECESSIVE; ODOD, AUTOSOMAL RECESSIVE. Identifiers: Orphanet 2710, MedGen C2749477, MONDO:0009768, OMIM 257850.

Submission:

Labcorp Genetics (formerly Invitae), Labcorp
Classification: Uncertain significance for Oculodentodigital dysplasia, autosomal recessive. Last evaluated: 2021-06-13. Review status: criteria provided, single submitter. Criteria: Invitae Variant Classification Sherloc (09022015). Collection method: clinical testing. Allele origin: germline.
Comment: In summary, the available evidence is currently insufficient to determine the role of this variant in disease. Therefore, it has been classified as a Variant of Uncertain Significance. Algorithms developed to predict the effect of sequence changes on RNA splicing suggest that this variant may create or strengthen a splice site, but this prediction has not been confirmed by published transcriptional studies. Algorithms developed to predict the effect of missense changes on protein structure and function (SIFT, PolyPhen-2, Align-GVGD) all suggest that this variant is likely to be disruptive, but these predictions have not been confirmed by published functional studies and their clinical significance is uncertain. This variant has been observed in individual(s) with clinical features of autosomal dominant oculodentodigital dysplasia (Invitae). This variant is not present in population databases (ExAC no frequency). This sequence change replaces asparagine with lysine at codon 63 of the GJA1 protein (p.Asn63Lys). The asparagine residue is highly conserved and there is a moderate physicochemical difference between asparagine and lysine.

NM_000165.5(GJA1):c.189T>G (p.Asn63Lys)

Gene: GJA1 (gap junction protein alpha 1; plus strand). Cytogenetic location: 6q22.31.
Variant type: single nucleotide variant.
Coding change: c.189T>G on transcript NM_000165.5 (MANE Select); coding-DNA position 189, T replaced by G.
Protein change: p.Asn63Lys; replaces asparagine 63 with lysine.
Molecular consequence: missense variant.
Genome position (GRCh38, 1-based): chr6:121,447,036, T>G. VCF-style: chr6-121447036-T-G. GRCh37 (hg19) VCF-style: chr6-121768182-T-G.
Other names: short protein forms N63K.
Identifiers: ClinVar variation 1478094 (VCV001478094.8), dbSNP rs139688042, ClinGen allele CA365558173.
Genomic context (GRCh38, chr6:121,447,036, plus strand): 5'-AGCCTGGGGAGATGAGCAGTCTGCCTTTCGTTGTAACACTCAGCAACCTGGTTGTGAAAA[T>G]GTCTGCTATGACAAGTCTTTCCCAATCTCTCATGTGCGCTTCTGGGTCCTGCAGATCATA-3'
Protein context (NP_000156.1, residues 53-73): RCNTQQPGCE[Asn63Lys]VCYDKSFPIS